The following is an entry in ClinVar:

ClinVar aggregate classification (germline): Uncertain significance. Review status: criteria provided, multiple submitters, no conflicts (2 of 4 stars). 2 submissions from 2 submitters: Uncertain significance (2). Last evaluated 2024-03-06.

Conditions:
Hereditary cancer-predisposing syndrome. Also called: Neoplastic Syndromes, Hereditary; Tumor predisposition; Hereditary Cancer Syndrome; Hereditary neoplastic syndrome. Identifiers: Orphanet 140162, MedGen C0027672, MeSH D009386, MONDO:0015356.

Allele frequency attached by ClinVar (database versions not stated): gnomAD exomes below 0.00001.
gnomAD v4.1: 1 of 1,613,830 alleles (0.000062%); no homozygotes.

Submissions (2):

Color Diagnostics, LLC DBA Color Health
Classification: Uncertain significance for Hereditary cancer-predisposing syndrome. Last evaluated: 2024-03-06. Review status: criteria provided, single submitter. Criteria: ACMG Guidelines, 2015. Collection method: clinical testing. Allele origin: germline.
Comment: This missense variant replaces serine with asparagine at codon 104 of the BAP1 protein. Computational prediction tool suggests that this variant may not impact protein structure and function (internally defined REVEL score threshold <=0.5, PMID: 27666373). Splice site prediction tools suggest that this variant may not impact RNA splicing. To our knowledge, functional studies have not been performed for this variant. This variant has not been reported in individuals affected with hereditary cancer in the literature. This variant has been identified in 1/250598 chromosomes in the general population by the Genome Aggregation Database (gnomAD). The available evidence is insufficient to determine the role of this variant in disease conclusively. Therefore, this variant is classified as a Variant of Uncertain Significance.

Ambry Genetics
Classification: Uncertain significance for Hereditary cancer-predisposing syndrome. Last evaluated: 2023-09-30. Review status: criteria provided, single submitter. Criteria: Ambry Variant Classification Scheme 2023. Collection method: clinical testing. Allele origin: germline.
Comment: The p.S104N variant (also known as c.311G>A), located in coding exon 5 of the BAP1 gene, results from a G to A substitution at nucleotide position 311. The serine at codon 104 is replaced by asparagine, an amino acid with highly similar properties. This amino acid position is well conserved in available vertebrate species. In addition, this alteration is predicted to be tolerated by in silico analysis. Since supporting evidence is limited at this time, the clinical significance of this alteration remains unclear.

NM_004656.4(BAP1):c.311G>A (p.Ser104Asn)

Gene: BAP1 (BRCA1 associated deubiquitinase 1; minus strand). Cytogenetic location: 3p21.1.
Variant type: single nucleotide variant.
Coding change: c.311G>A on transcript NM_004656.4 (MANE Select); coding-DNA position 311, G replaced by A.
Protein change: p.Ser104Asn; replaces serine 104 with asparagine.
Molecular consequence: missense variant.
Genome position (GRCh38, 1-based): chr3:52,408,022, C>T on the plus strand (G>A on the coding strand, the complement: BAP1 is on the minus strand). VCF-style: chr3-52408022-C-T. GRCh37 (hg19) VCF-style: chr3-52442038-C-T.
Other names: c.311G>A (NM_004656.2); short protein forms S104N.
Identifiers: ClinVar variation 925883 (VCV000925883.5), dbSNP rs1559591204, ClinGen allele CA353112285.